The following is an entry in ClinVar:

ClinVar aggregate classification (germline): Uncertain significance (1 of 4 stars; one submission).

Submission:

Labcorp Genetics (formerly Invitae), Labcorp
Classification: Uncertain significance. Last evaluated: 2022-02-04. Review status: criteria provided, single submitter. Criteria: Invitae Variant Classification Sherloc (09022015). Collection method: clinical testing. Allele origin: germline.
Comment: In summary, the available evidence is currently insufficient to determine the role of this variant in disease. Therefore, it has been classified as a Variant of Uncertain Significance. Experimental studies and prediction algorithms are not available or were not evaluated, and the functional significance of this variant is currently unknown. This variant has not been reported in the literature in individuals affected with LRP5-related conditions. This variant is not present in population databases (gnomAD no frequency). This variant, c.4118_4120del, results in the deletion of 1 amino acid(s) of the LRP5 protein (p.Thr1373del), but otherwise preserves the integrity of the reading frame.

NM_002335.4(LRP5):c.4118_4120del (p.Thr1373del)

Gene: LRP5 (LDL receptor related protein 5; plus strand). Cytogenetic location: 11q13.2.
Variant type: Deletion.
Coding change: c.4118_4120del on transcript NM_002335.4 (MANE Select); coding-DNA positions 4118 to 4120, 3 bases deleted (CCA; older notation c.4118_4120delCCA).
Protein change: p.Thr1373del; deletes threonine 1373.
Molecular consequence: inframe deletion.
Genome position (GRCh38, 1-based): chr11:68,438,452-68,438,454, CCA deleted; deleting any 3 consecutive bases within chr11:68,438,450-68,438,454 gives the same sequence; the c. name uses the placement nearest the transcript's 3' end. VCF-style (leftmost placement, unchanged base first): chr11-68438449-TCAC-T. GRCh37 (hg19) VCF-style: chr11-68205917-TCAC-T.
Other names: c.2375_2377del, p.Thr792del (NM_001291902.2); short protein forms T792del, T1373del.
Identifiers: ClinVar variation 2093257 (VCV002093257.4), dbSNP rs2098676237, ClinGen allele CA1980621996.